The following is an entry in ClinVar:

ClinVar aggregate classification (germline): Benign (1 of 4 stars; one submission).

Allele frequency attached by ClinVar (database versions not stated): TOPMed 0.28770; gnomAD 0.30340; 1000 Genomes Project 0.28215; 1000 Genomes Project 30x 0.28186.
gnomAD v4.1: 43,925 of 151,154 alleles (29%); highest among the groups gnomAD compares: African/African-American, 38%; 6,609 homozygotes.

Submission:

GeneDx
Classification: Benign. Last evaluated: 2018-06-19. Review status: criteria provided, single submitter. Criteria: GeneDx Variant Classification (06012015). Collection method: clinical testing. Allele origin: germline. Affected: yes.
Comment: This variant is considered likely benign or benign based on one or more of the following criteria: it is a conservative change, it occurs at a poorly conserved position in the protein, it is predicted to be benign by multiple in silico algorithms, and/or has population frequency not consistent with disease.

NM_000231.3(SGCG):c.196-281A>T

Gene: SGCG (sarcoglycan gamma; plus strand). Cytogenetic location: 13q12.12.
Variant type: single nucleotide variant.
Coding change: c.196-281A>T on transcript NM_000231.3 (MANE Select); 281 bases into the intron before coding-DNA position 196, A replaced by T.
Molecular consequence: intron variant.
Genome position (GRCh38, 1-based): chr13:23,234,330, A>T. VCF-style: chr13-23234330-A-T. GRCh37 (hg19) VCF-style: chr13-23808469-A-T.
Other names: c.250-281A>T (NM_001378244.1); c.196-281A>T (NM_001378245.1, NM_001378246.1).
Identifiers: ClinVar variation 684355 (VCV000684355.1), dbSNP rs9510644, ClinGen allele CA246643582.